The following is an entry in ClinVar:

NM_001114748.2(TMEM240):c.155A>G (p.Asn52Ser)

Gene: TMEM240 (transmembrane protein 240; minus strand). Cytogenetic location: 1p36.33.
Variant type: single nucleotide variant.
Coding change: c.155A>G on transcript NM_001114748.2 (MANE Select); coding-DNA position 155, A replaced by G.
Protein change: p.Asn52Ser; replaces asparagine 52 with serine.
Molecular consequence: missense variant.
Genome position (GRCh38, 1-based): chr1:1,539,693, T>C on the plus strand (A>G on the coding strand, the complement: TMEM240 is on the minus strand). VCF-style: chr1-1539693-T-C. GRCh37 (hg19) VCF-style: chr1-1475073-T-C.
Other names: short protein forms N52S.
Identifiers: ClinVar variation 3006400 (VCV003006400.3), dbSNP rs909422544, ClinGen allele CA16800186.

ClinVar aggregate classification (germline): Uncertain significance (1 of 4 stars; one submission).

Allele frequency attached by ClinVar (database versions not stated): gnomAD exomes below 0.00001.

Submission:

Labcorp Genetics (formerly Invitae), Labcorp
Classification: Uncertain significance. Last evaluated: 2025-03-31. Review status: criteria provided, single submitter. Criteria: Invitae Variant Classification Sherloc (09022015). Collection method: clinical testing. Allele origin: germline.
Comment: This sequence change replaces asparagine, which is neutral and polar, with serine, which is neutral and polar, at codon 52 of the TMEM240 protein (p.Asn52Ser). This variant is present in population databases (no rsID available, gnomAD 0.004%). This variant has not been reported in the literature in individuals affected with TMEM240-related conditions. ClinVar contains an entry for this variant (Variation ID: 3006400). An algorithm developed to predict the effect of missense changes on protein structure and function (PolyPhen-2) suggests that this variant is likely to be tolerated. In summary, the available evidence is currently insufficient to determine the role of this variant in disease. Therefore, it has been classified as a Variant of Uncertain Significance.